The following is an entry in ClinVar:

ClinVar aggregate classification (germline): Uncertain significance (1 of 4 stars; one submission).

Conditions:
Episodic ataxia type 2 (EA2). Also called: ACETAZOLAMIDE-RESPONSIVE HEREDITARY PAROXYSMAL CEREBELLAR ATAXIA; ATAXIA, EPISODIC, WITH NYSTAGMUS; ATAXIA, FAMILIAL PAROXYSMAL; CEREBELLAR ATAXIA, PAROXYSMAL, ACETAZOLAMIDE-RESPONSIVE; CEREBELLOPATHY, HEREDITARY PAROXYSMAL; EPISODIC ATAXIA, NYSTAGMUS-ASSOCIATED. Identifiers: Orphanet 97, MedGen C1720416, MONDO:0007163, OMIM 108500.
Developmental and epileptic encephalopathy, 42 (DEE42A). Also called: Epileptic encephalopathy, early infantile, 42; DEVELOPMENTAL AND EPILEPTIC ENCEPHALOPATHY 42A; EPILEPTIC ENCEPHALOPATHY, EARLY INFANTILE, 42A. Identifiers: MedGen C4310716, MONDO:0014917, OMIM 617106.

Submission:

Labcorp Genetics (formerly Invitae), Labcorp
Classification: Uncertain significance for Developmental and epileptic encephalopathy, 42; Episodic ataxia type 2. Last evaluated: 2025-02-09. Review status: criteria provided, single submitter. Criteria: Invitae Variant Classification Sherloc (09022015). Collection method: clinical testing. Allele origin: germline.
Comment: This sequence change replaces methionine, which is neutral and non-polar, with isoleucine, which is neutral and non-polar, at codon 2068 of the CACNA1A protein (p.Met2068Ile). This variant is not present in population databases (gnomAD no frequency). This variant has not been reported in the literature in individuals affected with CACNA1A-related conditions. Invitae Evidence Modeling of protein sequence and biophysical properties (such as structural, functional, and spatial information, amino acid conservation, physicochemical variation, residue mobility, and thermodynamic stability) indicates that this missense variant is not expected to disrupt CACNA1A protein function with a negative predictive value of 95%. In summary, the available evidence is currently insufficient to determine the role of this variant in disease. Therefore, it has been classified as a Variant of Uncertain Significance.

NM_001127222.2(CACNA1A):c.6201G>T (p.Met2067Ile)

Gene: CACNA1A (calcium voltage-gated channel subunit alpha1 A; minus strand). Cytogenetic location: 19p13.13.
Variant type: single nucleotide variant.
Coding change: c.6201G>T on transcript NM_001127222.2 (MANE Select); coding-DNA position 6201, G replaced by T.
Protein change: p.Met2067Ile; replaces methionine 2067 with isoleucine.
Molecular consequence: missense variant.
Genome position (GRCh38, 1-based): chr19:13,212,205, C>A on the plus strand (G>T on the coding strand, the complement: CACNA1A is on the minus strand). VCF-style: chr19-13212205-C-A. GRCh37 (hg19) VCF-style: chr19-13323019-C-A.
Other names: c.6219G>T, p.Met2073Ile (NM_000068.4, NM_023035.3); c.6204G>T, p.Met2068Ile (NM_001127221.2); c.6210G>T, p.Met2070Ile (NM_001174080.2); short protein forms M2073I, M2068I, M2070I, M2067I.
Identifiers: ClinVar variation 4789710 (VCV004789710.1).